The following is an entry in ClinVar:

ClinVar aggregate classification (germline): Uncertain significance (1 of 4 stars; one submission).

Submission:

Labcorp Genetics (formerly Invitae), Labcorp
Classification: Uncertain significance. Last evaluated: 2024-08-06. Review status: criteria provided, single submitter. Criteria: Invitae Variant Classification Sherloc (09022015). Collection method: clinical testing. Allele origin: germline.
Comment: This sequence change replaces valine, which is neutral and non-polar, with isoleucine, which is neutral and non-polar, at codon 791 of the NEDD4L protein (p.Val791Ile). This variant is not present in population databases (gnomAD no frequency). This variant has not been reported in the literature in individuals affected with NEDD4L-related conditions. Advanced modeling of protein sequence and biophysical properties (such as structural, functional, and spatial information, amino acid conservation, physicochemical variation, residue mobility, and thermodynamic stability) performed at Invitae indicates that this missense variant is not expected to disrupt NEDD4L protein function with a negative predictive value of 80%. In summary, the available evidence is currently insufficient to determine the role of this variant in disease. Therefore, it has been classified as a Variant of Uncertain Significance.

NM_001144967.3(NEDD4L):c.2431G>A (p.Val811Ile)

Gene: NEDD4L (NEDD4 like E3 ubiquitin protein ligase; plus strand). Cytogenetic location: 18q21.31.
Variant type: single nucleotide variant.
Coding change: c.2431G>A on transcript NM_001144967.3 (MANE Select); coding-DNA position 2431, G replaced by A.
Protein change: p.Val811Ile; replaces valine 811 with isoleucine.
Molecular consequence: missense variant.
Genome position (GRCh38, 1-based): chr18:58,385,530, G>A. VCF-style: chr18-58385530-G-A. GRCh37 (hg19) VCF-style: chr18-56052762-G-A.
Other names: c.2407G>A, p.Val803Ile (NM_001144968.2); c.2347G>A, p.Val783Ile (NM_001144969.2); c.2008G>A, p.Val670Ile (NM_001144970.3, NM_001144971.2); c.2239G>A, p.Val747Ile (NM_001243960.2); c.2371G>A, p.Val791Ile (NM_015277.6); c.2068G>A, p.Val690Ile (NM_001144966.3, NM_001144964.1, NM_001144965.2); short protein forms V670I, V690I, V747I, V783I, V791I, V803I, V811I.
Identifiers: ClinVar variation 3625130 (VCV003625130.2).